The following is an entry in ClinVar:

ClinVar aggregate classification (germline): Likely benign. Review status: criteria provided, multiple submitters, no conflicts (2 of 4 stars). 3 submissions from 3 submitters: Likely benign (2). 1 of the submissions does not count toward it. Last evaluated 2025-04-03.

Conditions:
FECH-related disorder. Also called: FECH-related condition.
Inborn genetic diseases. Identifiers: MedGen C0950123, MeSH D030342.

Allele frequency attached by ClinVar (database versions not stated): ExAC 0.00001; gnomAD exomes 0.00002.
gnomAD v4.1: 27 of 1,614,028 alleles (0.0017%); highest among the groups gnomAD compares: African/African-American, 0.008%; no homozygotes.

Submissions (3):

Ambry Genetics
Classification: Likely benign for Inborn genetic diseases. Last evaluated: 2025-04-03. Review status: criteria provided, single submitter. Criteria: Ambry Variant Classification Scheme 2023. Collection method: clinical testing. Allele origin: germline.

Blueprint Genetics
Classification: Likely benign. Last evaluated: 2024-11-21. Review status: criteria provided, single submitter. Criteria: ACMG Guidelines, 2015. Collection method: clinical testing. Allele origin: germline.

PreventionGenetics, part of Exact Sciences
Classification: Likely benign for FECH-related condition. Last evaluated: 2019-10-21. Review status: no assertion criteria provided. Collection method: clinical testing. Allele origin: germline. Not counted in ClinVar's aggregate classification.
Comment: This variant is classified as likely benign based on ACMG/AMP sequence variant interpretation guidelines (Richards et al. 2015 PMID: 25741868, with internal and published modifications).

NM_000140.5(FECH):c.315T>C (p.Asn105=)

Gene: FECH (ferrochelatase; minus strand). Cytogenetic location: 18q21.31.
Variant type: single nucleotide variant.
Coding change: c.315T>C on transcript NM_000140.5 (MANE Select); coding-DNA position 315, T replaced by C.
Protein change: p.Asn105=; no amino-acid change (asparagine 105 retained).
Molecular consequence: synonymous variant.
Genome position (GRCh38, 1-based): chr18:57,571,540, A>G on the plus strand (T>C on the coding strand, the complement: FECH is on the minus strand). VCF-style: chr18-57571540-A-G. GRCh37 (hg19) VCF-style: chr18-55238772-A-G.
Other names: c.333T>C, p.Asn111= (NM_001012515.4); c.315T>C, p.Asn105= (NM_001371094.1, NM_001374778.1); c.99T>C, p.Asn33= (NM_001371095.1).
Identifiers: ClinVar variation 3049947 (VCV003049947.4), dbSNP rs745345072, ClinGen allele CA8973229.